The following is an entry in ClinVar:

NM_003384.3(VRK1):c.617C>A (p.Pro206Gln)

Gene: VRK1 (VRK serine/threonine kinase 1; plus strand). Cytogenetic location: 14q32.2.
Variant type: single nucleotide variant.
Coding change: c.617C>A on transcript NM_003384.3 (MANE Select); coding-DNA position 617, C replaced by A.
Protein change: p.Pro206Gln; replaces proline 206 with glutamine.
Molecular consequence: missense variant.
Genome position (GRCh38, 1-based): chr14:96,855,264, C>A. VCF-style: chr14-96855264-C-A. GRCh37 (hg19) VCF-style: chr14-97321601-C-A.
Other names: short protein forms P206Q.
Identifiers: ClinVar variation 1001162 (VCV001001162.45), dbSNP rs1412431442, ClinGen allele CA390930997.

ClinVar aggregate classification (germline): Uncertain significance (1 of 4 stars; one submission).

Conditions:
Pontocerebellar hypoplasia type 1A (PCH1A). Also called: PONTOCEREBELLAR HYPOPLASIA WITH ANTERIOR HORN CELL DISEASE; PONTOCEREBELLAR HYPOPLASIA WITH INFANTILE SPINAL MUSCULAR ATROPHY. Identifiers: Orphanet 2254, Orphanet 88616, MedGen C1843504, MONDO:0011866, OMIM 607596.

Allele frequency attached by ClinVar (database versions not stated): gnomAD exomes below 0.00001 and 0.00001; TOPMed 0.00002; gnomAD 0.00005.
gnomAD v4.1: 9 of 1,613,858 alleles (0.00056%); highest among the groups gnomAD compares: Admixed American, 0.015%; no homozygotes.

Submission:

Labcorp Genetics (formerly Invitae), Labcorp
Classification: Uncertain significance for Pontocerebellar hypoplasia type 1A. Last evaluated: 2021-08-30. Review status: criteria provided, single submitter. Criteria: Invitae Variant Classification Sherloc (09022015). Collection method: clinical testing. Allele origin: germline.
Comment: This sequence change replaces proline with glutamine at codon 206 of the VRK1 protein (p.Pro206Gln). The proline residue is highly conserved and there is a moderate physicochemical difference between proline and glutamine. This variant is not present in population databases (ExAC no frequency). This variant has not been reported in the literature in individuals affected with VRK1-related conditions. Algorithms developed to predict the effect of missense changes on protein structure and function are either unavailable or do not agree on the potential impact of this missense change (SIFT: "Deleterious"; PolyPhen-2: "Benign"; Align-GVGD: "Class C0"). In summary, the available evidence is currently insufficient to determine the role of this variant in disease. Therefore, it has been classified as a Variant of Uncertain Significance.